The following is an entry in ClinVar:

NM_002335.4(LRP5):c.3665G>A (p.Gly1222Asp)

Gene: LRP5 (LDL receptor related protein 5; plus strand). Cytogenetic location: 11q13.2.
Variant type: single nucleotide variant.
Coding change: c.3665G>A on transcript NM_002335.4 (MANE Select); coding-DNA position 3665, G replaced by A.
Protein change: p.Gly1222Asp; replaces glycine 1222 with aspartic acid.
Molecular consequence: missense variant.
Genome position (GRCh38, 1-based): chr11:68,429,602, G>A. VCF-style: chr11-68429602-G-A. GRCh37 (hg19) VCF-style: chr11-68197070-G-A.
Other names: c.3665G>A (NM_002335.2, NM_002335.3); c.1922G>A, p.Gly641Asp (NM_001291902.2); short protein forms G1222D, G641D.
Identifiers: ClinVar variation 2097774 (VCV002097774.6), dbSNP rs2098670813, ClinGen allele CA381613232.

ClinVar aggregate classification (germline): Uncertain significance. Review status: criteria provided, multiple submitters, no conflicts (2 of 4 stars). 3 submissions from 3 submitters: Uncertain significance (3). Last evaluated 2025-10-18.

Conditions:
LRP5-related disorder. Also called: LRP5-related condition.
Inborn genetic diseases. Identifiers: MedGen C0950123, MeSH D030342.

Allele frequency attached by ClinVar (database versions not stated): gnomAD exomes below 0.00001; TOPMed below 0.00001.
gnomAD v4.1: 1 of 1,614,156 alleles (0.000062%); highest among the groups gnomAD compares: Middle Eastern, 0.016%; no homozygotes.

Submissions (3):

Ambry Genetics
Classification: Uncertain significance for Inborn genetic diseases. Last evaluated: 2025-10-18. Review status: criteria provided, single submitter. Criteria: Ambry Variant Classification Scheme 2023. Collection method: clinical testing. Allele origin: germline.

PreventionGenetics, part of Exact Sciences
Classification: Uncertain significance for LRP5-related condition. Last evaluated: 2024-11-27. Review status: criteria provided, single submitter. Criteria: ACMG Guidelines, 2015. Collection method: clinical testing. Allele origin: germline.
Comment: The LRP5 c.3665G>A variant is predicted to result in the amino acid substitution p.Gly1222Asp. To our knowledge, this variant has not been reported in the literature or in a large population database (gnomAD), indicating this variant is rare. At this time, the clinical significance of this variant is uncertain due to the absence of conclusive functional and genetic evidence.

Labcorp Genetics (formerly Invitae), Labcorp
Classification: Uncertain significance. Last evaluated: 2024-10-16. Review status: criteria provided, single submitter. Criteria: Invitae Variant Classification Sherloc (09022015). Collection method: clinical testing. Allele origin: germline.
Comment: This sequence change replaces glycine, which is neutral and non-polar, with aspartic acid, which is acidic and polar, at codon 1222 of the LRP5 protein (p.Gly1222Asp). This variant is not present in population databases (gnomAD no frequency). This variant has not been reported in the literature in individuals affected with LRP5-related conditions. ClinVar contains an entry for this variant (Variation ID: 2097774). Invitae Evidence Modeling of protein sequence and biophysical properties (such as structural, functional, and spatial information, amino acid conservation, physicochemical variation, residue mobility, and thermodynamic stability) has been performed for this missense variant. However, the output from this modeling did not meet the statistical confidence thresholds required to predict the impact of this variant on LRP5 protein function. In summary, the available evidence is currently insufficient to determine the role of this variant in disease. Therefore, it has been classified as a Variant of Uncertain Significance.